The following is an entry in ClinVar:

ClinVar aggregate classification (germline): Uncertain significance. Review status: criteria provided, multiple submitters, no conflicts (2 of 4 stars). 4 submissions from 4 submitters: Uncertain significance (4). Last evaluated 2022-01-02.

Conditions:
Fucosidosis. Also called: ALPHA-L-FUCOSIDASE DEFICIENCY. Identifiers: Orphanet 349, MedGen C0016788, MONDO:0009254, OMIM 230000.
Inborn genetic diseases. Identifiers: MedGen C0950123, MeSH D030342.

Allele frequency attached by ClinVar (database versions not stated): ESP Exome Variant Server 0.00008; TOPMed 0.00009; gnomAD exomes 0.00012 and 0.00021; ExAC 0.00015; 1000 Genomes Project 30x 0.00031; 1000 Genomes Project 0.00040.
gnomAD v4.1: 308 of 1,605,222 alleles (0.019%); highest among the groups gnomAD compares: Non-Finnish European, 0.025%; no homozygotes.

Submissions (4):

Labcorp Genetics (formerly Invitae), Labcorp
Classification: Uncertain significance for Fucosidosis. Last evaluated: 2022-01-02. Review status: criteria provided, single submitter. Criteria: Invitae Variant Classification Sherloc (09022015). Collection method: clinical testing. Allele origin: germline.
Comment: This sequence change replaces arginine, which is basic and polar, with cysteine, which is neutral and slightly polar, at codon 36 of the FUCA1 protein (p.Arg36Cys). This variant is present in population databases (rs201209052, gnomAD 0.02%). This variant has not been reported in the literature in individuals affected with FUCA1-related conditions. ClinVar contains an entry for this variant (Variation ID: 874540). Algorithms developed to predict the effect of missense changes on protein structure and function output the following: SIFT: "Deleterious"; PolyPhen-2: "Probably Damaging"; Align-GVGD: "Class C0". The cysteine amino acid residue is found in multiple mammalian species, which suggests that this missense change does not adversely affect protein function. In summary, the available evidence is currently insufficient to determine the role of this variant in disease. Therefore, it has been classified as a Variant of Uncertain Significance.

Ambry Genetics
Classification: Uncertain significance for Inborn genetic diseases. Last evaluated: 2021-10-22. Review status: criteria provided, single submitter. Criteria: Ambry Variant Classification Scheme 2023. Collection method: clinical testing. Allele origin: germline.

Illumina Laboratory Services, Illumina
Classification: Uncertain significance for Fucosidosis. Last evaluated: 2018-01-13. Review status: criteria provided, single submitter. Criteria: ICSL Variant Classification Criteria 13 December 2019. Collection method: clinical testing. Allele origin: germline.

Breakthrough Genomics
Classification: Uncertain significance. Review status: criteria provided, single submitter. Criteria: ACMG Guidelines, 2015. Collection method: not provided. Allele origin: germline. Inheritance: Autosomal recessive inheritance. Affected: yes.

NM_000147.5(FUCA1):c.106C>T (p.Arg36Cys)

Gene: FUCA1 (alpha-L-fucosidase 1; minus strand). Cytogenetic location: 1p36.11.
Variant type: single nucleotide variant.
Coding change: c.106C>T on transcript NM_000147.5 (MANE Select); coding-DNA position 106, C replaced by T.
Protein change: p.Arg36Cys; replaces arginine 36 with cysteine.
Molecular consequence: missense variant.
Genome position (GRCh38, 1-based): chr1:23,868,181, G>A on the plus strand (C>T on the coding strand, the complement: FUCA1 is on the minus strand). VCF-style: chr1-23868181-G-A. GRCh37 (hg19) VCF-style: chr1-24194671-G-A.
Other names: short protein forms R36C.
Identifiers: ClinVar variation 874540 (VCV000874540.8), dbSNP rs201209052, ClinGen allele CA686619.